The following is an entry in ClinVar:

ClinVar aggregate classification (germline): Uncertain significance (1 of 4 stars; one submission).

Conditions:
Ehlers-Danlos syndrome, dermatosparaxis type. Also called: EDS VIIC; Ehlers-Danlos syndrome, type VII, autosomal recessive; Dermatosparaxis. Identifiers: Orphanet 1901, MedGen C2700425, MONDO:0009161, OMIM 225410.

Allele frequency attached by ClinVar (database versions not stated): ExAC 0.00001.
gnomAD v4.1: 10 of 1,613,148 alleles (0.00062%); highest among the groups gnomAD compares: South Asian, 0.0011%; no homozygotes.

Submission:

Labcorp Genetics (formerly Invitae), Labcorp
Classification: Uncertain significance for Ehlers-Danlos syndrome, dermatosparaxis type. Last evaluated: 2022-01-11. Review status: criteria provided, single submitter. Criteria: Invitae Variant Classification Sherloc (09022015). Collection method: clinical testing. Allele origin: germline.
Comment: This sequence change replaces arginine, which is basic and polar, with cysteine, which is neutral and slightly polar, at codon 691 of the ADAMTS2 protein (p.Arg691Cys). This variant is present in population databases (rs753921602, gnomAD 0.0009%). This variant has not been reported in the literature in individuals affected with ADAMTS2-related conditions. Algorithms developed to predict the effect of missense changes on protein structure and function (SIFT, PolyPhen-2, Align-GVGD) all suggest that this variant is likely to be disruptive. In summary, the available evidence is currently insufficient to determine the role of this variant in disease. Therefore, it has been classified as a Variant of Uncertain Significance.

NM_014244.5(ADAMTS2):c.2071C>T (p.Arg691Cys)

Gene: ADAMTS2 (ADAM metallopeptidase with thrombospondin type 1 motif 2; minus strand). Cytogenetic location: 5q35.3.
Variant type: single nucleotide variant.
Coding change: c.2071C>T on transcript NM_014244.5 (MANE Select); coding-DNA position 2071, C replaced by T.
Protein change: p.Arg691Cys; replaces arginine 691 with cysteine.
Molecular consequence: missense variant.
Genome position (GRCh38, 1-based): chr5:179,135,923, G>A on the plus strand (C>T on the coding strand, the complement: ADAMTS2 is on the minus strand). VCF-style: chr5-179135923-G-A. GRCh37 (hg19) VCF-style: chr5-178562924-G-A.
Other names: short protein forms R691C.
Identifiers: ClinVar variation 2046919 (VCV002046919.1), dbSNP rs753921602, ClinGen allele CA3595700.